The following is an entry in ClinVar:

ClinVar aggregate classification (germline): Benign (1 of 4 stars; one submission).

Allele frequency attached by ClinVar (database versions not stated): 1000 Genomes Project 0.12939; 1000 Genomes Project 30x 0.13132; gnomAD 0.14125; TOPMed 0.14223.
gnomAD v4.1: 21,798 of 152,188 alleles (14%); highest among the groups gnomAD compares: Middle Eastern, 16%; 1,629 homozygotes.

Submission:

GeneDx
Classification: Benign. Last evaluated: 2018-06-14. Review status: criteria provided, single submitter. Criteria: GeneDx Variant Classification (06012015). Collection method: clinical testing. Allele origin: germline. Affected: yes.
Comment: This variant is considered likely benign or benign based on one or more of the following criteria: it is a conservative change, it occurs at a poorly conserved position in the protein, it is predicted to be benign by multiple in silico algorithms, and/or has population frequency not consistent with disease.

NM_014049.5(ACAD9):c.959-300G>A

Gene: ACAD9 (acyl-CoA dehydrogenase family member 9; plus strand). Cytogenetic location: 3q21.3.
Variant type: single nucleotide variant.
Coding change: c.959-300G>A on transcript NM_014049.5 (MANE Select); 300 bases into the intron before coding-DNA position 959, G replaced by A.
Molecular consequence: intron variant.
Genome position (GRCh38, 1-based): chr3:128,903,762, G>A. VCF-style: chr3-128903762-G-A. GRCh37 (hg19) VCF-style: chr3-128622605-G-A.
Identifiers: ClinVar variation 682738 (VCV000682738.1), dbSNP rs66903181, ClinGen allele CA11557727.